The following is an entry in ClinVar:

ClinVar aggregate classification (germline): Conflicting classifications of pathogenicity. Review status: criteria provided, conflicting classifications (1 of 4 stars). 3 submissions from 3 submitters: Uncertain significance (1); Likely benign (1). 1 of the submissions does not count toward it. Last evaluated 2025-02-02.

Conditions:
TCN1-related disorder. Also called: TCN1-related condition.
Transcobalamin I deficiency (TCN1D). Also called: COBALAMIN PSEUDODEFICIENCY DUE TO TRANSCOBALAMIN DEFICIENCY; COBALAMIN R BINDER PROTEIN DEFICIENCY; TCN1 DEFICIENCY. Identifiers: Orphanet 2967, MedGen C0342700, MONDO:0008659, OMIM 193090.

Allele frequency attached by ClinVar (database versions not stated): ExAC 0.00305; TOPMed 0.01076; gnomAD exomes 0.00238 and 0.00097; 1000 Genomes Project 30x 0.00999; gnomAD 0.01044 and 0.00967; ESP Exome Variant Server 0.01182; 1000 Genomes Project 0.00879.

Submissions (3):

Labcorp Genetics (formerly Invitae), Labcorp
Classification: Uncertain significance for Transcobalamin I deficiency. Last evaluated: 2025-02-02. Review status: criteria provided, single submitter. Criteria: Invitae Variant Classification Sherloc (09022015). Collection method: clinical testing. Allele origin: germline.
Comment: This sequence change creates a premature translational stop signal (p.Val58Cysfs*14) in the TCN1 gene. It is expected to result in an absent or disrupted protein product. Loss-of-function variants in TCN1 are known to be pathogenic (PMID: 19686235). This variant is present in population databases (rs34530014, gnomAD 3%), and has an allele count higher than expected for a pathogenic variant. This premature translational stop signal has been observed in individual(s) with transcobalamin I deficiency (also known as haptocorrin deficiency), which is typically an asymptomatic biochemical phenotype (PMID: 19686235). ClinVar contains an entry for this variant (Variation ID: 780975). In summary, the available evidence is currently insufficient to determine the role of this variant in disease. Therefore, it has been classified as a Variant of Uncertain Significance.

Mayo Clinic Laboratories, Mayo Clinic
Classification: Likely benign. Last evaluated: 2024-11-13. Review status: criteria provided, single submitter. Criteria: ACMG Guidelines, 2015. Collection method: clinical testing. Allele origin: germline. Observed: 1 variant allele.
Comment: BS1, BS2

PreventionGenetics, part of Exact Sciences
Classification: Likely benign for TCN1-related condition. Last evaluated: 2024-07-22. Review status: no assertion criteria provided. Collection method: clinical testing. Allele origin: germline. Not counted in ClinVar's aggregate classification.
Comment: This variant is classified as likely benign based on ACMG/AMP sequence variant interpretation guidelines (Richards et al. 2015 PMID: 25741868, with internal and published modifications).

Literature cited by the submitters: PubMed 19686235 (cited by Labcorp Genetics (formerly Invitae), Labcorp and Mayo Clinic Laboratories, Mayo Clinic); PubMed 29764838 (cited by Mayo Clinic Laboratories, Mayo Clinic).

NM_001062.4(TCN1):c.172del (p.Val58fs)

Gene: TCN1 (transcobalamin 1; minus strand). Cytogenetic location: 11q12.1.
Variant type: Deletion.
Coding change: c.172del on transcript NM_001062.4 (MANE Select); coding-DNA position 172, one base deleted (G; older notation c.172delG).
Protein change: p.Val58fs; shifts the reading frame from valine 58.
Molecular consequence: frameshift variant.
Genome position (GRCh38, 1-based): chr11:59,863,994, C deleted on the plus strand (G on the coding strand, the reverse complement: TCN1 is on the minus strand). VCF-style (leftmost placement, unchanged base first): chr11-59863993-AC-A. GRCh37 (hg19) VCF-style: chr11-59631466-AC-A.
Other names: p.Val58Cysfs*14; c.172delG (NM_001062.3); short protein forms V58fs.
Identifiers: ClinVar variation 780975 (VCV000780975.12), dbSNP rs34530014, ClinGen allele CA6022111.
Genomic context (GRCh38, chr11:59,863,993, plus strand): 5'-TGTTGGATCATCTTTTGCATCAGGGTTTGGATCTGGATTCCAACAAGTTTGAGGGACAAC[AC>A]AACATTGACAGCGCTGGTTCCCCTGTTATAGTTTGACTGGATCATTGTATTCAACAGAGG-3'